The following is an entry in ClinVar:

NM_004260.4(RECQL4):c.1892G>C (p.Arg631Pro)

Gene: RECQL4 (RecQ like helicase 4; minus strand). Cytogenetic location: 8q24.3.
Variant type: single nucleotide variant.
Coding change: c.1892G>C on transcript NM_004260.4 (MANE Select); coding-DNA position 1892, G replaced by C.
Protein change: p.Arg631Pro; replaces arginine 631 with proline.
Molecular consequence: missense variant.
Genome position (GRCh38, 1-based): chr8:144,514,094, C>G on the plus strand (G>C on the coding strand, the complement: RECQL4 is on the minus strand). VCF-style: chr8-144514094-C-G. GRCh37 (hg19) VCF-style: chr8-145739478-C-G.
Other names: short protein forms R631P.
Identifiers: ClinVar variation 650532 (VCV000650532.7), dbSNP rs771179943, ClinGen allele CA372680538.

ClinVar aggregate classification (germline): Uncertain significance. Review status: criteria provided, multiple submitters, no conflicts (2 of 4 stars). 2 submissions from 2 submitters: Uncertain significance (2). Last evaluated 2024-12-08.

Conditions:
Inborn genetic diseases. Identifiers: MedGen C0950123, MeSH D030342.
Baller-Gerold syndrome (BGS). Also called: CRANIOSYNOSTOSIS WITH RADIAL DEFECTS. Identifiers: Orphanet 1225, MedGen C0265308, MONDO:0009039, OMIM 218600.

Allele frequency attached by ClinVar (database versions not stated): TOPMed 0.00001.

Submissions (2):

Ambry Genetics
Classification: Uncertain significance for Inborn genetic diseases. Last evaluated: 2024-12-08. Review status: criteria provided, single submitter. Criteria: Ambry Variant Classification Scheme 2023. Collection method: clinical testing. Allele origin: germline.
Comment: The p.R631P variant (also known as c.1892G>C), located in coding exon 12 of the RECQL4 gene, results from a G to C substitution at nucleotide position 1892. The arginine at codon 631 is replaced by proline, an amino acid with dissimilar properties. This amino acid position is conserved. In addition, this alteration is predicted to be tolerated by in silico analysis. Based on the available evidence, the clinical significance of this variant remains unclear.

Labcorp Genetics (formerly Invitae), Labcorp
Classification: Uncertain significance for Baller-Gerold syndrome. Last evaluated: 2024-04-29. Review status: criteria provided, single submitter. Criteria: Invitae Variant Classification Sherloc (09022015). Collection method: clinical testing. Allele origin: germline.
Comment: This sequence change replaces arginine, which is basic and polar, with proline, which is neutral and non-polar, at codon 631 of the RECQL4 protein (p.Arg631Pro). This variant is not present in population databases (gnomAD no frequency). This variant has not been reported in the literature in individuals affected with RECQL4-related conditions. ClinVar contains an entry for this variant (Variation ID: 650532). Advanced modeling of protein sequence and biophysical properties (such as structural, functional, and spatial information, amino acid conservation, physicochemical variation, residue mobility, and thermodynamic stability) performed at Invitae indicates that this missense variant is not expected to disrupt RECQL4 protein function with a negative predictive value of 80%. In summary, the available evidence is currently insufficient to determine the role of this variant in disease. Therefore, it has been classified as a Variant of Uncertain Significance.